The following is an entry in ClinVar:

ClinVar aggregate classification (germline): Benign (1 of 4 stars; one submission).

Conditions:
Klippel-Feil syndrome 1, autosomal dominant (KFS1). Also called: CERVICAL VERTEBRAL FUSION, AUTOSOMAL DOMINANT. Identifiers: Orphanet 2345, MedGen C1861689, MONDO:0007306, OMIM 118100.

Allele frequency attached by ClinVar (database versions not stated): gnomAD exomes 0.00162; 1000 Genomes Project 30x 0.05887; gnomAD 0.05287; 1000 Genomes Project 0.05571; TOPMed 0.05780.
gnomAD v4.1: 7,814 of 152,912 alleles (5.1%); highest among the groups gnomAD compares: African/African-American, 18%; 677 homozygotes.

Submissions (7):

Illumina Laboratory Services, Illumina
Classification: Benign for Klippel-Feil syndrome 1, autosomal dominant. Last evaluated: 2018-01-12. Review status: criteria provided, single submitter. Criteria: ICSL Variant Classification Criteria 13 December 2019. Collection method: clinical testing. Allele origin: germline.
Comment: This variant was observed in the ICSL laboratory as part of a predisposition screen in an ostensibly healthy population. It had not been previously curated by ICSL or reported in the Human Gene Mutation Database (HGMD: prior to June 1st, 2018), and was therefore a candidate for classification through an automated scoring system. Utilizing variant allele frequency, disease prevalence and penetrance estimates, and inheritance mode, an automated score was calculated to assess if this variant is too frequent to cause the disease. Based on the score and internal cut-off values, a variant classified as benign is not then subjected to further curation. The score for this variant resulted in a classification of benign for this disease.

Dr. Peter K. Rogan Lab, Western University
No classification provided (evidence only). Condition: Sarcoma. Review status: no classification provided. Collection method: in vitro. Allele origin: not applicable. Functional consequence: retained intron. Not counted in ClinVar's aggregate classification.

Dr. Peter K. Rogan Lab, Western University
No classification provided (evidence only). Condition: Sarcoma. Review status: no classification provided. Collection method: in vitro. Allele origin: not applicable. Functional consequence: retained intron. Not counted in ClinVar's aggregate classification.

Dr. Peter K. Rogan Lab, Western University
No classification provided (evidence only). Condition: Ovarian serous cystadenocarcinoma. Review status: no classification provided. Collection method: in vitro. Allele origin: not applicable. Functional consequence: retained intron. Not counted in ClinVar's aggregate classification.

Dr. Peter K. Rogan Lab, Western University
No classification provided (evidence only). Condition: Malignant tumor of esophagus. Review status: no classification provided. Collection method: in vitro. Allele origin: not applicable. Functional consequence: retained intron. Not counted in ClinVar's aggregate classification.

Dr. Peter K. Rogan Lab, Western University
No classification provided (evidence only). Condition: Malignant tumor of esophagus. Review status: no classification provided. Collection method: in vitro. Allele origin: not applicable. Functional consequence: retained intron. Not counted in ClinVar's aggregate classification.

Dr. Peter K. Rogan Lab, Western University
No classification provided (evidence only). Condition: Malignant tumor of esophagus. Review status: no classification provided. Collection method: in vitro. Allele origin: not applicable. Functional consequence: retained intron. Not counted in ClinVar's aggregate classification.

NM_001001557.4(GDF6):c.*711G>T

Gene: GDF6 (growth differentiation factor 6; minus strand). Cytogenetic location: 8q22.1.
Variant type: single nucleotide variant.
Coding change: c.*711G>T on transcript NM_001001557.4 (MANE Select); 711 bases downstream of the stop codon, G replaced by T.
Molecular consequence: 3 prime UTR variant.
Genome position (GRCh38, 1-based): chr8:96,143,852, C>A on the plus strand (G>T on the coding strand, the complement: GDF6 is on the minus strand). VCF-style: chr8-96143852-C-A. GRCh37 (hg19) VCF-style: chr8-97156080-C-A.
Other names: NC_000008.10:g.97156080C>A.
Identifiers: ClinVar variation 364020 (VCV000364020.6), dbSNP rs73698505, ClinGen allele CA10631825.